The following is an entry in ClinVar:

ClinVar aggregate classification (germline): Pathogenic. Review status: criteria provided, multiple submitters, no conflicts (2 of 4 stars). 4 submissions from 4 submitters: Pathogenic (4). Last evaluated 2025-09-03.

Conditions:
Arthrogryposis, renal dysfunction, and cholestasis 1 (ARCS1). Identifiers: Orphanet 2697, MedGen C1859722, MONDO:0008822, OMIM 208085.

gnomAD v4.1: 2 of 1,613,348 alleles (0.00012%); highest among the groups gnomAD compares: Admixed American, 0.0017%; no homozygotes.

Submissions (4):

Labcorp Genetics (formerly Invitae), Labcorp
Classification: Pathogenic. Last evaluated: 2025-09-03. Review status: criteria provided, single submitter. Criteria: Invitae Variant Classification Sherloc (09022015). Collection method: clinical testing. Allele origin: germline.
Comment: This sequence change creates a premature translational stop signal (p.Arg507*) in the VPS33B gene. It is expected to result in an absent or disrupted protein product. Loss-of-function variants in VPS33B are known to be pathogenic (PMID: 15052268, 16896922). This variant is present in population databases (rs773306000, gnomAD no frequency). This premature translational stop signal has been observed in individual(s) with arthrogryposis, renal dysfunction, and cholestasis syndrome (PMID: 15052268). ClinVar contains an entry for this variant (Variation ID: 1686295). Algorithms developed to predict the effect of variants on gene product structure and function are not available or were not evaluated for this variant. Experimental studies have shown that this premature translational stop signal affects VPS33B function (PMID: 23918659). For these reasons, this variant has been classified as Pathogenic.

3billion
Classification: Pathogenic for Arthrogryposis, renal dysfunction, and cholestasis 1. Last evaluated: 2025-02-20. Review status: criteria provided, single submitter. Criteria: ACMG Guidelines, 2015. Collection method: clinical testing. Allele origin: germline. Affected: yes.
Comment: The variant is observed at an extremely low frequency in the gnomAD v4.1.0 dataset (total allele frequency: <0.001%). Predicted Consequence/Location: Stop-gained (nonsense): predicted to result in a loss or disruption of normal protein function through nonsense-mediated decay (NMD) or protein truncation. Multiple pathogenic variants are reported downstream of the variant. The variant has been reported at least twice as pathogenic with clinical assertions and evidence for the classification (ClinVar ID: VCV001686295 /PMID: 15052268). Therefore, this variant is classified as Pathogenic according to the recommendation of ACMG/AMP guideline.

Mendelics
Classification: Pathogenic for Arthrogryposis, renal dysfunction, and cholestasis 1. Last evaluated: 2022-05-04. Review status: criteria provided, single submitter. Criteria: Mendelics Assertion Criteria 2019. Collection method: clinical testing. Allele origin: germline.

Laboratorio de Genetica e Diagnostico Molecular, Hospital Israelita Albert Einstein
Classification: Pathogenic for Arthrogryposis, renal dysfunction, and cholestasis 1. Last evaluated: 2022-04-01. Review status: criteria provided, single submitter. Criteria: ACMG Guidelines, 2015. Collection method: clinical testing. Allele origin: germline. Affected: yes. Observed: 1 variant allele.
Comment: ACMG classification criteria: PVS1 very strong, PS4 supporting, PM2 moderated, PM3 moderated, PP4

Literature cited by the submitters: PubMed 15052268 (cited by Labcorp Genetics (formerly Invitae), Labcorp and 3billion); PubMed 16896922 (cited by Labcorp Genetics (formerly Invitae), Labcorp); PubMed 23918659 (cited by Labcorp Genetics (formerly Invitae), Labcorp).

NM_018668.5(VPS33B):c.1519C>T (p.Arg507Ter)

Gene: VPS33B (VPS33B late endosome and lysosome associated; minus strand). Cytogenetic location: 15q26.1.
Variant type: single nucleotide variant.
Coding change: c.1519C>T on transcript NM_018668.5 (MANE Select); coding-DNA position 1519, C replaced by T.
Protein change: p.Arg507Ter; replaces arginine 507 with a stop codon.
Molecular consequence: nonsense.
Genome position (GRCh38, 1-based): chr15:91,000,552, G>A on the plus strand (C>T on the coding strand, the complement: VPS33B is on the minus strand). VCF-style: chr15-91000552-G-A. GRCh37 (hg19) VCF-style: chr15-91543782-G-A.
Other names: c.1438C>T, p.Arg480Ter (NM_001289148.1); c.1246C>T, p.Arg416Ter (NM_001289149.1); short protein forms R416*, R480*, R507*.
Identifiers: ClinVar variation 1686295 (VCV001686295.4), dbSNP rs773306000, ClinGen allele CA7744609.
Genomic context (GRCh38, chr15:91,000,552, plus strand): 5'-GCTCAATGATTCGGCAGCTCAGGGGCACATAAGCACCACCGAAGACGTAAGCCATGTCTC[G>A]GGGCACTTTCAGATCATACTCGCCGTCCACACGTGGGATCTGTAAGACAAAGGGACTTCA-3'